The following is an entry in ClinVar:

ClinVar aggregate classification (germline): Uncertain significance (1 of 4 stars; one submission).

Conditions:
Cohen syndrome (COH1). Also called: PEPPER SYNDROME; Cutis verticis gyrata, retinitis pigmentosa, and sensorineural deafness. Identifiers: Orphanet 193, MedGen C0265223, MONDO:0008999, OMIM 216550.

Allele frequency attached by ClinVar (database versions not stated): gnomAD exomes below 0.00001.
gnomAD v4.1: 1 of 1,613,772 alleles (0.000062%); highest among the groups gnomAD compares: Non-Finnish European, 0.000085%; no homozygotes.

Submission:

Labcorp Genetics (formerly Invitae), Labcorp
Classification: Uncertain significance for Cohen syndrome. Last evaluated: 2022-07-28. Review status: criteria provided, single submitter. Criteria: Invitae Variant Classification Sherloc (09022015). Collection method: clinical testing. Allele origin: germline.
Comment: In summary, the available evidence is currently insufficient to determine the role of this variant in disease. Therefore, it has been classified as a Variant of Uncertain Significance. Algorithms developed to predict the effect of sequence changes on RNA splicing suggest that this variant may disrupt the consensus splice site. Algorithms developed to predict the effect of missense changes on protein structure and function are either unavailable or do not agree on the potential impact of this missense change (SIFT: "Not Available"; PolyPhen-2: "Probably Damaging"; Align-GVGD: "Not Available"). This variant has not been reported in the literature in individuals affected with VPS13B-related conditions. This variant is not present in population databases (gnomAD no frequency). This sequence change replaces glycine, which is neutral and non-polar, with aspartic acid, which is acidic and polar, at codon 3193 of the VPS13B protein (p.Gly3193Asp).

NM_152564.5(VPS13B):c.9503G>A (p.Gly3168Asp)

Gene: VPS13B (vacuolar protein sorting 13 homolog B; plus strand). Cytogenetic location: 8q22.2.
Variant type: single nucleotide variant.
Coding change: c.9503G>A on transcript NM_152564.5 (MANE Select); coding-DNA position 9503, G replaced by A.
Protein change: p.Gly3168Asp; replaces glycine 3168 with aspartic acid.
Molecular consequence: missense variant.
Genome position (GRCh38, 1-based): chr8:99,832,541, G>A. VCF-style: chr8-99832541-G-A. GRCh37 (hg19) VCF-style: chr8-100844769-G-A.
Other names: c.9578G>A, p.Gly3193Asp (NM_017890.5); short protein forms G3193D, G3168D.
Identifiers: ClinVar variation 2142329 (VCV002142329.3), dbSNP rs1815137954, ClinGen allele CA371781699.